The following is an entry in ClinVar:

ClinVar aggregate classification (germline): Uncertain significance (1 of 4 stars; one submission).

Allele frequency attached by ClinVar (database versions not stated): gnomAD exomes 0.00001 and 0.00002; TOPMed 0.00001; ExAC 0.00002.
gnomAD v4.1: 11 of 1,613,412 alleles (0.00068%); highest among the groups gnomAD compares: South Asian, 0.0011%; no homozygotes.

Submission:

Labcorp Genetics (formerly Invitae), Labcorp
Classification: Uncertain significance. Last evaluated: 2025-04-16. Review status: criteria provided, single submitter. Criteria: Invitae Variant Classification Sherloc (09022015). Collection method: clinical testing. Allele origin: germline.
Comment: This sequence change replaces threonine, which is neutral and polar, with alanine, which is neutral and non-polar, at codon 247 of the MMP13 protein (p.Thr247Ala). This variant is present in population databases (rs782797921, gnomAD 0.003%). This variant has not been reported in the literature in individuals affected with MMP13-related conditions. ClinVar contains an entry for this variant (Variation ID: 1440120). Invitae Evidence Modeling of protein sequence and biophysical properties (such as structural, functional, and spatial information, amino acid conservation, physicochemical variation, residue mobility, and thermodynamic stability) indicates that this missense variant is not expected to disrupt MMP13 protein function with a negative predictive value of 80%. In summary, the available evidence is currently insufficient to determine the role of this variant in disease. Therefore, it has been classified as a Variant of Uncertain Significance.

NM_002427.4(MMP13):c.739A>G (p.Thr247Ala)

Gene: MMP13 (matrix metallopeptidase 13; minus strand). Cytogenetic location: 11q22.2.
Variant type: single nucleotide variant.
Coding change: c.739A>G on transcript NM_002427.4 (MANE Select); coding-DNA position 739, A replaced by G.
Protein change: p.Thr247Ala; replaces threonine 247 with alanine.
Molecular consequence: missense variant.
Genome position (GRCh38, 1-based): chr11:102,952,072, T>C on the plus strand (A>G on the coding strand, the complement: MMP13 is on the minus strand). VCF-style: chr11-102952072-T-C. GRCh37 (hg19) VCF-style: chr11-102822801-T-C.
Other names: short protein forms T247A.
Identifiers: ClinVar variation 1440120 (VCV001440120.8), dbSNP rs782797921, ClinGen allele CA6251911.